The following is an entry in ClinVar:

ClinVar aggregate classification (germline): Pathogenic. Review status: criteria provided, multiple submitters, no conflicts (2 of 4 stars). 2 submissions from 2 submitters: Pathogenic (2). Last evaluated 2021-09-07.

Submissions (2):

Labcorp Genetics (formerly Invitae), Labcorp
Classification: Pathogenic. Last evaluated: 2021-09-07. Review status: criteria provided, single submitter. Criteria: Invitae Variant Classification Sherloc (09022015). Collection method: clinical testing. Allele origin: germline.
Comment: This sequence change affects an acceptor splice site in intron 6 of the PHEX gene. It is expected to disrupt RNA splicing. Variants that disrupt the donor or acceptor splice site typically lead to a loss of protein function (PMID: 16199547), and loss-of-function variants in PHEX are known to be pathogenic (PMID: 9097956, 9106524, 19219621). This variant is not present in population databases (ExAC no frequency). Disruption of this splice site has been observed in individuals with clinical features of hypophosphatemic rickets (PMID: 7550339, 9097956; Invitae). ClinVar contains an entry for this variant (Variation ID: 280260). Algorithms developed to predict the effect of sequence changes on RNA splicing suggest that this variant may disrupt the consensus splice site. For these reasons, this variant has been classified as Pathogenic.

GeneDx
Classification: Pathogenic. Last evaluated: 2016-01-05. Review status: criteria provided, single submitter. Criteria: GeneDx Variant Classification (06012015). Collection method: clinical testing. Allele origin: germline. Affected: yes.
Comment: The c.733-2 A>T splice site variant in the PHEX gene destroys the canonical splice acceptor site in intron 6. It is predicted to cause abnormal gene splicing, either leading to an abnormal message that is subject to nonsense-mediated mRNA decay, or to an abnormal protein product if the message is used for protein translation. In addition, the c733-2 A>T splice variant was not observed in in approximately 6,500 individuals of European and African American ancestry in the NHLBI Exome Sequencing Project, indicating it is not a common benign variant in these populations. Although this pathogenic variant has not been previously reported to our knowledge, we interpret it to be pathogenic.

Literature cited by the submitters: PubMed 16199547 (cited by Labcorp Genetics (formerly Invitae), Labcorp); PubMed 9097956 (cited by Labcorp Genetics (formerly Invitae), Labcorp); PubMed 9106524 (cited by Labcorp Genetics (formerly Invitae), Labcorp); PubMed 19219621 (cited by Labcorp Genetics (formerly Invitae), Labcorp); PubMed 7550339 (cited by Labcorp Genetics (formerly Invitae), Labcorp).

NM_000444.6(PHEX):c.733-2A>T

Gene: PHEX (phosphate regulating endopeptidase X-linked; plus strand). Cytogenetic location: Xp22.11.
Variant type: single nucleotide variant.
Coding change: c.733-2A>T on transcript NM_000444.6 (MANE Select); the canonical splice acceptor site of the intron before coding-DNA position 733, A replaced by T.
Molecular consequence: splice acceptor variant.
Genome position (GRCh38, 1-based): chrX:22,093,981, A>T. VCF-style: chrX-22093981-A-T. GRCh37 (hg19) VCF-style: chrX-22112099-A-T.
Other names: c.733-2A>T (NM_001282754.2).
Identifiers: ClinVar variation 280260 (VCV000280260.8), dbSNP rs886041496, ClinGen allele CA10603557.